The following is an entry in ClinVar:

ClinVar aggregate classification (germline): Uncertain significance (1 of 4 stars; one submission).

Submission:

GeneDx
Classification: Uncertain significance. Last evaluated: 2016-12-22. Review status: criteria provided, single submitter. Criteria: GeneDx Variant Classification (06012015). Collection method: clinical testing. Allele origin: germline. Affected: yes.
Comment: A variant of uncertain significance has been identified in the LITAF gene. The F136L variant has not been published as a pathogenic variant, nor has it been reported as a benign variant to our knowledge. The F136L variant is not observed in large population cohorts (Lek et al., 2016; 1000 Genomes Consortium et al., 2015; Exome Variant Server). The F136L variant is a conservative amino acid substitution, which is not likely to impact secondary protein structure as these residues share similar properties. This substitution occurs at a position where amino acids with similar properties to Phenylalanine are tolerated across species. However, missense variants in a nearby residue (P135S, P135T, P135R) have been reported in the Human Gene Mutation Database in association with CMT1C (Stenson et al., 2014). In silico analysis predicts this variant is probably damaging to the protein structure/function. Therefore, based on the currently available information, it is unclear whether this variant is a pathogenic variant or a rare benign variant.

NM_001136472.2(LITAF):c.408C>A (p.Phe136Leu)

Gene: LITAF (lipopolysaccharide induced TNF factor; minus strand). Cytogenetic location: 16p13.13.
Variant type: single nucleotide variant.
Coding change: c.408C>A on transcript NM_001136472.2 (MANE Select); coding-DNA position 408, C replaced by A.
Protein change: p.Phe136Leu; replaces phenylalanine 136 with leucine.
Molecular consequence: missense variant. On other transcripts: 3 prime UTR variant (1), non-coding transcript variant (1).
Genome position (GRCh38, 1-based): chr16:11,549,715, G>T on the plus strand (C>A on the coding strand, the complement: LITAF is on the minus strand). VCF-style: chr16-11549715-G-T. GRCh37 (hg19) VCF-style: chr16-11643571-G-T.
Other names: c.*47C>A (NM_001136473.1); c.408C>A, p.Phe136Leu (NM_004862.4); short protein forms F136L.
Identifiers: ClinVar variation 392274 (VCV000392274.2), dbSNP rs1057524422, ClinGen allele CA16607226.